The following is an entry in ClinVar:

NM_015354.3(NUP188):c.2072T>C (p.Val691Ala)

Gene: NUP188 (nucleoporin 188; plus strand). Cytogenetic location: 9q34.11.
Variant type: single nucleotide variant.
Coding change: c.2072T>C on transcript NM_015354.3 (MANE Select); coding-DNA position 2072, T replaced by C.
Protein change: p.Val691Ala; replaces valine 691 with alanine.
Molecular consequence: missense variant.
Genome position (GRCh38, 1-based): chr9:128,985,010, T>C. VCF-style: chr9-128985010-T-C. GRCh37 (hg19) VCF-style: chr9-131747289-T-C.
Other names: short protein forms V691A.
Identifiers: ClinVar variation 3257268 (VCV003257268.17).
Genomic context (GRCh38, chr9:128,985,010, plus strand): 5'-AACAGCCTCAGGGCGAGTATGGGGTTACTATTGCCTTTCTGCGCTTGATCACCACCCTTG[T>C]CAAGGTACAGTCTGATTTTGTTCACAAAGGGCAGAAAAAGAAAAGGTCCAGTCTTGTCAG-3'
Protein context (NP_056169.1, residues 681-701): IAFLRLITTL[Val691Ala]KGQLGSTQSQ

ClinVar aggregate classification (germline): Uncertain significance (1 of 4 stars; one submission).

gnomAD v4.1: 7 of 1,608,172 alleles (0.00044%); highest among the groups gnomAD compares: Non-Finnish European, 0.0006%; no homozygotes.

Submission:

CeGaT Center for Human Genetics Tuebingen
Classification: Uncertain significance. Last evaluated: 2024-07-01. Review status: criteria provided, single submitter. Criteria: CeGaT Center For Human Genetics Tuebingen Variant Classification Criteria Version 2. Collection method: clinical testing. Allele origin: germline. Affected: yes. Observed: 1 variant allele.
Comment: NUP188: PM2